The following is an entry in ClinVar:

NM_001253697.2(ERBIN):c.1588G>T (p.Asp530Tyr)

Gene: ERBIN (erbb2 interacting protein; plus strand). Cytogenetic location: 5q12.3.
Variant type: single nucleotide variant.
Coding change: c.1588G>T on transcript NM_001253697.2 (MANE Select); coding-DNA position 1588, G replaced by T.
Protein change: p.Asp530Tyr; replaces aspartic acid 530 with tyrosine.
Molecular consequence: missense variant.
Genome position (GRCh38, 1-based): chr5:66,044,296, G>T. VCF-style: chr5-66044296-G-T. GRCh37 (hg19) VCF-style: chr5-65340124-G-T.
Other names: c.1588G>T (NM_001006600.2); c.1588G>T, p.Asp530Tyr (NM_001006600.3, NM_001253698.2, NM_001253699.2 and 2 more transcripts); short protein forms D530Y.
Identifiers: ClinVar variation 1493010 (VCV001493010.10), dbSNP rs748519248, ClinGen allele CA3286286.
Genomic context (GRCh38, chr5:66,044,296, plus strand): 5'-ACCAATGAAGACTCAGGAAGAGATTTGAAACCACATGAAGATCAACAAGATATAAATAAA[G>T]ATGTGGGTGTGAAGGTTAGAAAATTCAAAAGGATTAACCAAAGCCTATTTCAAGTTCTTA-3'
Protein context (NP_001240626.1, residues 520-540): PHEDQQDINK[Asp530Tyr]VGVKTSESTT

ClinVar aggregate classification (germline): Uncertain significance. Review status: criteria provided, multiple submitters, no conflicts (2 of 4 stars). 4 submissions from 4 submitters: Uncertain significance (2). 2 of the submissions do not count toward it. Last evaluated 2025-08-26.

Conditions:
ERBIN-related disorder. Also called: ERBIN-related condition.

Allele frequency attached by ClinVar (database versions not stated): gnomAD 0.00003; TOPMed 0.00004; ExAC 0.00008; gnomAD exomes 0.00008 and 0.00015.
gnomAD v4.1: 209 of 1,591,628 alleles (0.013%); highest among the groups gnomAD compares: Admixed American, 0.028%; no homozygotes.

Submissions (4):

Labcorp Genetics (formerly Invitae), Labcorp
Classification: Uncertain significance. Last evaluated: 2025-08-26. Review status: criteria provided, single submitter. Criteria: Invitae Variant Classification Sherloc (09022015). Collection method: clinical testing. Allele origin: germline.
Comment: This sequence change replaces aspartic acid, which is acidic and polar, with tyrosine, which is neutral and polar, at codon 530 of the ERBIN protein (p.Asp530Tyr). This variant is present in population databases (rs748519248, gnomAD 0.05%). This missense change has been observed in individual(s) with ERBIN-related disorders (PMID: 28126831). ClinVar contains an entry for this variant (Variation ID: 1493010). An algorithm developed to predict the effect of missense changes on protein structure and function (PolyPhen-2) suggests that this variant is likely to be disruptive. Experimental studies have shown that this missense change affects ERBIN function (PMID: 28126831). In summary, the available evidence is currently insufficient to determine the role of this variant in disease. Therefore, it has been classified as a Variant of Uncertain Significance.

Blueprint Genetics
Classification: Uncertain significance. Last evaluated: 2024-11-07. Review status: criteria provided, single submitter. Criteria: ACMG Guidelines, 2015. Collection method: clinical testing. Allele origin: germline.

PreventionGenetics, part of Exact Sciences
Classification: Uncertain significance for ERBIN-related condition. Last evaluated: 2024-01-03. Review status: no assertion criteria provided. Collection method: clinical testing. Allele origin: germline. Not counted in ClinVar's aggregate classification.
Comment: The ERBIN c.1588G>T variant is predicted to result in the amino acid substitution p.Asp530Tyr. This variant was reported in three individuals from the same family, all with elevated IgE, eosinophilic esophagitis, joint hypermobility, and vascular anomalies (Lyons et al. 2017. PubMed ID: 28126831). Functional studies showed that this variant impacts ERBIN protein function (Lyons et al. 2017. PubMed ID: 28126831). This variant is reported in 0.046% of alleles in individuals of Latino descent in gnomAD. At this time, the clinical significance of this variant is uncertain due to the absence of conclusive functional and genetic evidence.

OMIM
Classification: Uncertain significance for VARIANT OF UNKNOWN SIGNIFICANCE. Last evaluated: 2023-10-05. Review status: no assertion criteria provided. Collection method: literature only. Allele origin: germline. Not counted in ClinVar's aggregate classification.

Literature cited by the submitters: PubMed 28126831 (cited by Labcorp Genetics (formerly Invitae), Labcorp and OMIM).